The following is an entry in ClinVar:

ClinVar aggregate classification (germline): Uncertain significance (1 of 4 stars; one submission).

Conditions:
Gorlin syndrome. Also called: Basal cell nevus syndrome; Nevoid Basal Cell Carcinoma Syndrome. Identifiers: Orphanet 377, MedGen C0004779, MONDO:0007187.

Allele frequency attached by ClinVar (database versions not stated): gnomAD exomes below 0.00001.
gnomAD v4.1: 1 of 1,613,918 alleles (0.000062%); highest among the groups gnomAD compares: Non-Finnish European, 0.000085%; no homozygotes.

Submission:

Labcorp Genetics (formerly Invitae), Labcorp
Classification: Uncertain significance for Gorlin syndrome. Last evaluated: 2024-10-30. Review status: criteria provided, single submitter. Criteria: Invitae Variant Classification Sherloc (09022015). Collection method: clinical testing. Allele origin: germline.
Comment: This sequence change replaces phenylalanine, which is neutral and non-polar, with leucine, which is neutral and non-polar, at codon 286 of the PTCH2 protein (p.Phe286Leu). This variant is not present in population databases (gnomAD no frequency). This variant has not been reported in the literature in individuals affected with PTCH2-related conditions. ClinVar contains an entry for this variant (Variation ID: 579286). An algorithm developed to predict the effect of missense changes on protein structure and function (PolyPhen-2) suggests that this variant is likely to be tolerated. In summary, the available evidence is currently insufficient to determine the role of this variant in disease. Therefore, it has been classified as a Variant of Uncertain Significance.

NM_003738.5(PTCH2):c.858C>A (p.Phe286Leu)

Gene: PTCH2 (patched 2; minus strand). Cytogenetic location: 1p34.1.
Variant type: single nucleotide variant.
Coding change: c.858C>A on transcript NM_003738.5 (MANE Select); coding-DNA position 858, C replaced by A.
Protein change: p.Phe286Leu; replaces phenylalanine 286 with leucine.
Molecular consequence: missense variant.
Genome position (GRCh38, 1-based): chr1:44,829,986, G>T on the plus strand (C>A on the coding strand, the complement: PTCH2 is on the minus strand). VCF-style: chr1-44829986-G-T. GRCh37 (hg19) VCF-style: chr1-45295658-G-T.
Other names: c.858C>A, p.Phe286Leu (NM_001166292.2); short protein forms F286L.
Identifiers: ClinVar variation 579286 (VCV000579286.12), dbSNP rs759340277, ClinGen allele CA340105121.